The following is an entry in ClinVar:

ClinVar aggregate classification (germline): Pathogenic. Review status: criteria provided, multiple submitters, no conflicts (2 of 4 stars). 10 submissions from 10 submitters: Pathogenic (9). 1 of the submissions does not count toward it. Last evaluated 2026-01-12.

Conditions:
STRC-related disorder. Also called: STRC-related condition.
Autosomal recessive nonsyndromic hearing loss 16. Also called: DFNB16 Nonsyndromic Hearing Loss and Deafness; DEAFNESS, AUTOSOMAL RECESSIVE 16. Identifiers: Orphanet 90636, MedGen C1863561, MONDO:0011364, OMIM 603720.

Allele frequency attached by ClinVar (database versions not stated): gnomAD exomes 0.00003 and 0.00006; ExAC 0.00006; gnomAD 0.00011.
gnomAD v4.1: 64 of 1,613,346 alleles (0.004%); highest among the groups gnomAD compares: Admixed American, 0.023%; no homozygotes.

Submissions (10):

Variantyx, Inc.
Classification: Pathogenic for Autosomal recessive nonsyndromic hearing loss 16. Last evaluated: 2026-01-12. Review status: criteria provided, single submitter. Criteria: Variantyx Assertion Criteria 2022. Collection method: clinical testing. Allele origin: germline. Inheritance: Autosomal recessive inheritance. Affected: yes.
Comment: This is a nonsense variant in the STRC gene (OMIM: 606440). Pathogenic variants in this gene have been associated with autosomal recessive deafness 16. This variant introduces a premature termination codon in exon 20 out of 29 and is expected to result in loss of function, which is a known disease mechanism for STRC in this disorder (PVS1) (PMID:11687802). This variant has been identified in the homozygous or compound heterozygous state in at least 3 individuals reported in the published literature (PMID: 32203226, 21078986, 26746617) (PM3_Strong). It has a 0.0234% maximum allele frequency in non-founder control populations (PM2). Based on the current evidence, this variant is classified as pathogenic for autosomal recessive deafness 16.

Blueprint Genetics
Classification: Pathogenic for STRC-related disorders. Last evaluated: 2024-02-08. Review status: criteria provided, single submitter. Criteria: ACMG Guidelines, 2015. Collection method: clinical testing. Allele origin: germline. Affected: yes. Observed: 4 variant alleles.

The Shared Resource Centre "Genome", Research Centre for Medical Genetics
Classification: Pathogenic for Autosomal recessive nonsyndromic hearing loss 16. Last evaluated: 2022-11-10. Review status: criteria provided, single submitter. Criteria: ACMG Guidelines, 2015. Collection method: clinical testing. Allele origin: germline. Affected: yes. Observed: 1 variant allele.

GeneDx
Classification: Pathogenic. Last evaluated: 2022-08-02. Review status: criteria provided, single submitter. Criteria: GeneDx Variant Classification Process June 2021. Collection method: clinical testing. Allele origin: germline. Affected: yes.
Comment: Nonsense variant predicted to result in protein truncation or nonsense mediated decay in a gene for which loss of function is a known mechanism of disease; This variant is associated with the following publications: (PMID: 23990876, 21078986, 22147502, 25157971, 25525159, 26746617, 31980526, 33105617, 34416374, 28984810, 29986705, 29196752, 31645979, 32203226)

Molecular Diagnostics Laboratory, M Health Fairview: University of Minnesota
Classification: Pathogenic for Autosomal recessive nonsyndromic hearing loss 16. Last evaluated: 2017-08-29. Review status: criteria provided, single submitter. Criteria: ACMG Guidelines, 2015. Collection method: clinical testing. Allele origin: germline. Affected: yes. Observed: 1 variant allele.

CeGaT Center for Human Genetics Tuebingen
Classification: Pathogenic. Last evaluated: 2017-03-01. Review status: criteria provided, single submitter. Criteria: CeGaT Center For Human Genetics Tuebingen Variant Classification Criteria Version 2. Collection method: clinical testing. Allele origin: germline. Affected: yes. Observed: 1 variant allele.

Clinical Genetics Service, Universitary Hospital 12 de Octubre
Classification: Pathogenic for Autosomal recessive nonsyndromic hearing loss 16. Review status: criteria provided, single submitter. Criteria: ACMG Guidelines, 2015. Collection method: clinical testing. Allele origin: germline. Affected: yes.

Genome-Nilou Lab
Classification: Pathogenic for Autosomal recessive nonsyndromic hearing loss 16. Review status: criteria provided, single submitter. Criteria: ACMG Guidelines, 2015. Collection method: clinical testing. Allele origin: germline.

Juno Genomics, Hangzhou Juno Genomics, Inc
Classification: Pathogenic for Autosomal recessive nonsyndromic hearing loss 16. Review status: criteria provided, single submitter. Criteria: ACMG Guidelines, 2015. Collection method: clinical testing. Allele origin: germline. Affected: yes.
Comment: Absent from controls (or at extremely low frequency if recessive) in Genome Aggregation Database, Exome Sequencing Project, 1000 Genomes Project, or Exome Aggregation Consortium.;Null variant in a gene where loss of function (LOF) is a known mechanism of disease.;For recessive disorders, detected in trans with a pathogenic variant.

PreventionGenetics, part of Exact Sciences
Classification: Pathogenic for STRC-related condition. Last evaluated: 2024-03-13. Review status: no assertion criteria provided. Collection method: clinical testing. Allele origin: germline. Not counted in ClinVar's aggregate classification.
Comment: The STRC c.4057C>T variant is predicted to result in premature protein termination (p.Gln1353*). This variant has been reported to be causative for autosomal recessive hearing loss (Mandelker et al 2014. PubMed ID: 25157971; Shearer et al 2010. PubMed ID: 21078986; Morgan et al 2020. PubMed ID: 33105617; Table S3, Guan et al 2021. PubMed ID: 34416374). This variant is reported in 0.025% of alleles in individuals of Latino descent in gnomAD, although allele frequency estimates are unreliable in this region due to sequence paralogy. This variant in exon 20 corresponds to a known STRCP1 pseudogene variant, and therefore presence of this variant in the functional gene (as in this patient) may be indicative of a large deletion or gene conversion event on the same allele. Nonsense variants in STRC are expected to be pathogenic. This variant is interpreted as pathogenic.

Literature cited by the submitters: PubMed 26746617 (cited by Variantyx, Inc.); PubMed 21078986 (cited by Variantyx, Inc. and Molecular Diagnostics Laboratory, M Health Fairview: University of Minnesota); PubMed 32203226 (cited by Variantyx, Inc.); PubMed 11687802 (cited by Variantyx, Inc.); PubMed 25157971 (cited by Molecular Diagnostics Laboratory, M Health Fairview: University of Minnesota).

NM_153700.2(STRC):c.4057C>T (p.Gln1353Ter)

Gene: STRC (stereocilin; minus strand). Cytogenetic location: 15q15.3.
Variant type: single nucleotide variant.
Coding change: c.4057C>T on transcript NM_153700.2 (MANE Select); coding-DNA position 4057, C replaced by T.
Protein change: p.Gln1353Ter; replaces glutamine 1353 with a stop codon.
Molecular consequence: nonsense.
Genome position (GRCh38, 1-based): chr15:43,604,720, G>A on the plus strand (C>T on the coding strand, the complement: STRC is on the minus strand). VCF-style: chr15-43604720-G-A. GRCh37 (hg19) VCF-style: chr15-43896918-G-A.
Other names: short protein forms Q1353*.
Identifiers: ClinVar variation 242391 (VCV000242391.54), dbSNP rs774312182, ClinGen allele CA7528164.
Genomic context (GRCh38, chr15:43,604,720, plus strand): 5'-ACTCCTGCAATAGCAGCCATCCCAGCTCTGTGGCAAATGTCTCTCCTAGGCAGAAGCCTT[G>A]CAGCTGACTGAGATGGGACAGCAGGATCTGTAGGGGGATCTGTCGTGTGCTCTCTGTCCC-3'